The following is an entry in ClinVar:

NM_025083.5(EDC3):c.512del (p.Gln171fs)

Gene: EDC3 (enhancer of mRNA decapping 3; minus strand). Cytogenetic location: 15q24.1.
Variant type: Deletion.
Coding change: c.512del on transcript NM_025083.5 (MANE Select); coding-DNA position 512, one base deleted (A; older notation c.512delA).
Protein change: p.Gln171fs; shifts the reading frame from glutamine 171.
Molecular consequence: frameshift variant.
Genome position (GRCh38, 1-based): chr15:74,656,041, T deleted on the plus strand (A on the coding strand, the reverse complement: EDC3 is on the minus strand). VCF-style (leftmost placement, unchanged base first): chr15-74656040-CT-C. GRCh37 (hg19) VCF-style: chr15-74948381-CT-C.
Other names: c.512del, p.Gln171fs (NM_001142443.3, NM_001142444.3, NM_001351378.2); c.77del, p.Gln26fs (NM_001351379.2); short protein forms Q171fs, Q26fs.
Identifiers: ClinVar variation 3068515 (VCV003068515.2), dbSNP rs2505375430, ClinGen allele CA2741442139.

ClinVar aggregate classification (germline): Pathogenic (1 of 4 stars; one submission).

Conditions:
Intellectual developmental disorder, autosomal recessive 50. Also called: Intellectual disability, autosomal recessive 50. Identifiers: Orphanet 88616, MedGen C4225319, MONDO:0014649, OMIM 616460.

Submission:

Center for Human Genetics and Genomic Medicine, Uniklinik Rwth Aachen
Classification: Pathogenic for Intellectual developmental disorder, autosomal recessive 50. Last evaluated: 2024-04-10. Review status: criteria provided, single submitter. Criteria: ACMG Guidelines, 2015. Collection method: clinical testing. Allele origin: biparental. Inheritance: Autosomal recessive inheritance. Affected: yes.
Comment: The detected variant has not yet been reported in databases (dbSNP, ClinVar, gnomAD) or in the literature. Bioinformatics tools (SIFT(v6.2.0), MutationTaster (v2021), PolyPhen-2) predict a damaging effect of the variant. ACMG criteria are PVS1, PM2, PM3. The variants meets the criteria to be classified as pathogenic.